The following is an entry in ClinVar:

NM_014629.4(ARHGEF10):c.848C>T (p.Ser283Phe)

Gene: ARHGEF10 (Rho guanine nucleotide exchange factor 10; plus strand). Cytogenetic location: 8p23.3.
Variant type: single nucleotide variant.
Coding change: c.848C>T on transcript NM_014629.4 (MANE Select); coding-DNA position 848, C replaced by T.
Protein change: p.Ser283Phe; replaces serine 283 with phenylalanine.
Molecular consequence: missense variant. On other transcripts: intron variant (1).
Genome position (GRCh38, 1-based): chr8:1,880,052, C>T. VCF-style: chr8-1880052-C-T. GRCh37 (hg19) VCF-style: chr8-1828218-C-T.
Other names: c.847-2583C>T (NM_001308152.2); c.851C>T, p.Ser284Phe (NM_001308153.3); short protein forms S283F, S308F, S284F.
Identifiers: ClinVar variation 1299101 (VCV001299101.35), dbSNP rs957272429, ClinGen allele CA170593354.
Genomic context (GRCh38, chr8:1,880,052, plus strand): 5'-CCCAAAGAACCAAAAAGAGCCTTTTTGTGAAAAGACTGTGTCTCTTTATGCTGTAGCTTT[C>T]TCATGACCTAACCCGTTTAAAGGAGCACTATGAGAAAAAGATGAGAGATTTGATGGCAAG-3'
Protein context (NP_055444.2, residues 273-293): FLRSNHKKQL[Ser283Phe]HDLTRLKEHY

ClinVar aggregate classification (germline): Uncertain significance (1 of 4 stars; one submission).

Allele frequency attached by ClinVar (database versions not stated): TOPMed below 0.00001; gnomAD 0.00001.
gnomAD v4.1: 8 of 1,610,066 alleles (0.0005%); highest among the groups gnomAD compares: Admixed American, 0.0017%; no homozygotes.

Submission:

CeGaT Center for Human Genetics Tuebingen
Classification: Uncertain significance. Last evaluated: 2024-10-01. Review status: criteria provided, single submitter. Criteria: CeGaT Center For Human Genetics Tuebingen Variant Classification Criteria Version 2. Collection method: clinical testing. Allele origin: germline. Affected: yes. Observed: 3 variant alleles.
Comment: ARHGEF10: PM2, BP4